The following is an entry in ClinVar:

NM_001080414.4(CCDC88C):c.2255A>G (p.Lys752Arg)

Gene: CCDC88C (coiled-coil and HOOK domain protein 88C; minus strand). Cytogenetic location: 14q32.11.
Variant type: single nucleotide variant.
Coding change: c.2255A>G on transcript NM_001080414.4 (MANE Select); coding-DNA position 2255, A replaced by G.
Protein change: p.Lys752Arg; replaces lysine 752 with arginine.
Molecular consequence: missense variant.
Genome position (GRCh38, 1-based): chr14:91,313,561, T>C on the plus strand (A>G on the coding strand, the complement: CCDC88C is on the minus strand). VCF-style: chr14-91313561-T-C. GRCh37 (hg19) VCF-style: chr14-91779905-T-C.
Other names: c.2255A>G (NM_001080414.3); short protein forms K752R.
Identifiers: ClinVar variation 1298595 (VCV001298595.43), dbSNP rs199967225, ClinGen allele CA7309705.
Genomic context (GRCh38, chr14:91,313,561, plus strand): 5'-TGCAGCCGGAGGTTCTCAGCGCTCACGCTCTGGTAGCTGAGCTCCAGGCGCTCTGACTTC[T>C]TGCCCAGCGCCTTGAGCAGATCCACGTTCTTCCTCAGCTCCTCCTTCTCACGCTCCAGCT-3'
Protein context (NP_001073883.2, residues 742-762): KNVDLLKALG[Lys752Arg]KSERLELSYQ

ClinVar aggregate classification (germline): Conflicting classifications of pathogenicity. Review status: criteria provided, conflicting classifications (1 of 4 stars). 6 submissions from 6 submitters: Uncertain significance (5); Likely benign (1). Last evaluated 2025-10-29.

Conditions:
Inborn genetic diseases. Identifiers: MedGen C0950123, MeSH D030342.

Allele frequency attached by ClinVar (database versions not stated): ESP Exome Variant Server 0.00031; gnomAD 0.00042 and 0.00043; gnomAD exomes 0.00044 and 0.00073; ExAC 0.00045; TOPMed 0.00046.
gnomAD v4.1: 1,115 of 1,611,380 alleles (0.069%); highest among the groups gnomAD compares: Non-Finnish European, 0.09%; no homozygotes.

Submissions (6):

Ambry Genetics
Classification: Likely benign for Inborn genetic diseases. Last evaluated: 2025-10-29. Review status: criteria provided, single submitter. Criteria: Ambry Variant Classification Scheme 2023. Collection method: clinical testing. Allele origin: germline.

Clinical Genetics Laboratory, Skane University Hospital Lund
Classification: Uncertain significance. Last evaluated: 2023-09-28. Review status: criteria provided, single submitter. Criteria: ACMG Guidelines, 2015. Collection method: clinical testing. Allele origin: germline. Affected: yes.

Greenwood Genetic Center Diagnostic Laboratories, Greenwood Genetic Center
Classification: Uncertain significance. Last evaluated: 2022-12-14. Review status: criteria provided, single submitter. Criteria: ACMG Guidelines, 2015. Collection method: clinical testing. Allele origin: germline. Affected: yes.
Comment: BP4

Labcorp Genetics (formerly Invitae), Labcorp
Classification: Uncertain significance. Last evaluated: 2022-09-19. Review status: criteria provided, single submitter. Criteria: Invitae Variant Classification Sherloc (09022015). Collection method: clinical testing. Allele origin: germline.
Comment: This sequence change replaces lysine, which is basic and polar, with arginine, which is basic and polar, at codon 752 of the CCDC88C protein (p.Lys752Arg). This variant is present in population databases (rs199967225, gnomAD 0.09%), and has an allele count higher than expected for a pathogenic variant. This variant has not been reported in the literature in individuals affected with CCDC88C-related conditions. ClinVar contains an entry for this variant (Variation ID: 1298595). Algorithms developed to predict the effect of missense changes on protein structure and function output the following: SIFT: "Deleterious"; PolyPhen-2: "Benign"; Align-GVGD: "Class C0". The arginine amino acid residue is found in multiple mammalian species, which suggests that this missense change does not adversely affect protein function. In summary, the available evidence is currently insufficient to determine the role of this variant in disease. Therefore, it has been classified as a Variant of Uncertain Significance.

CeGaT Center for Human Genetics Tuebingen
Classification: Uncertain significance. Last evaluated: 2021-09-01. Review status: criteria provided, single submitter. Criteria: CeGaT Center For Human Genetics Tuebingen Variant Classification Criteria Version 2. Collection method: clinical testing. Allele origin: germline. Affected: yes. Observed: 1 variant allele.

Breakthrough Genomics
Classification: Uncertain significance. Review status: criteria provided, single submitter. Criteria: ACMG Guidelines, 2015. Collection method: not provided. Allele origin: germline. Inheritance: Autosomal recessive inheritance. Affected: yes.